The following is an entry in ClinVar:

NM_031407.7(HUWE1):c.11184G>C (p.Gln3728His)

Gene: HUWE1 (HECT, UBA and WWE domain containing E3 ubiquitin protein ligase 1; minus strand). Cytogenetic location: Xp11.22.
Variant type: single nucleotide variant.
Coding change: c.11184G>C on transcript NM_031407.7 (MANE Select); coding-DNA position 11184, G replaced by C.
Protein change: p.Gln3728His; replaces glutamine 3728 with histidine.
Molecular consequence: missense variant.
Genome position (GRCh38, 1-based): chrX:53,544,627, C>G on the plus strand (G>C on the coding strand, the complement: HUWE1 is on the minus strand). VCF-style: chrX-53544627-C-G. GRCh37 (hg19) VCF-style: chrX-53571588-C-G.
Other names: c.11181G>C, p.Gln3727His (NM_001441048.1, NM_001441051.1, NM_001441053.1 and 2 more transcripts); c.11184G>C, p.Gln3728His (NM_001441049.1, NM_001441054.1, NM_001441057.1); c.11205G>C, p.Gln3735His (NM_001441050.1, NM_001441055.1); c.10782G>C, p.Gln3594His (NM_001441052.1); short protein forms Q3594H, Q3735H, Q3727H, Q3728H.
Identifiers: ClinVar variation 4997703 (VCV004997703.1).

ClinVar aggregate classification (germline): Uncertain significance (1 of 4 stars; one submission).

Conditions:
HUWE1-related disorder. Also called: HUWE1-related condition.

gnomAD v4.1: 2 of 1,208,821 alleles (0.00017%); highest among the groups gnomAD compares: African/African-American, 0.0035%; no homozygotes.

Submission:

PreventionGenetics, part of Exact Sciences
Classification: Uncertain significance for HUWE1-related condition. Last evaluated: 2025-02-13. Review status: criteria provided, single submitter. Criteria: ACMG Guidelines, 2015. Collection method: clinical testing. Allele origin: germline.
Comment: The HUWE1 c.11184G>C variant is predicted to result in the amino acid substitution p.Gln3728His. To our knowledge, this variant has not been reported in the literature or in a large population database (gnomAD), indicating this variant is rare. At this time, the clinical significance of this variant is uncertain due to the absence of conclusive functional and genetic evidence.